The following is an entry in ClinVar:

NM_001256864.2(DNAJC6):c.83T>C (p.Leu28Ser)

Gene: DNAJC6 (DnaJ heat shock protein family (Hsp40) member C6; plus strand). Cytogenetic location: 1p31.3.
Variant type: single nucleotide variant.
Coding change: c.83T>C on transcript NM_001256864.2 (MANE Select); coding-DNA position 83, T replaced by C.
Protein change: p.Leu28Ser; replaces leucine 28 with serine.
Molecular consequence: missense variant. On other transcripts: intron variant (2).
Genome position (GRCh38, 1-based): chr1:65,309,828, T>C. VCF-style: chr1-65309828-T-C. GRCh37 (hg19) VCF-style: chr1-65775511-T-C.
Other names: c.-130-35783T>C (NM_001256865.2); c.22+44896T>C (NM_014787.4); short protein forms L28S.
Identifiers: ClinVar variation 2071733 (VCV002071733.4), dbSNP rs1233618088, ClinGen allele CA340662979.

ClinVar aggregate classification (germline): Uncertain significance (1 of 4 stars; one submission).

Conditions:
Juvenile onset Parkinson disease 19A. Also called: PARK19; DNAJC6 Parkinson Disease. Identifiers: Orphanet 391411, MedGen C3809811, MONDO:0014231, OMIM 615528.

Allele frequency attached by ClinVar (database versions not stated): gnomAD 0.00001.
gnomAD v4.1: 3 of 1,549,032 alleles (0.00019%); highest among the groups gnomAD compares: Non-Finnish European, 0.00026%; no homozygotes.

Submission:

Labcorp Genetics (formerly Invitae), Labcorp
Classification: Uncertain significance for Juvenile onset Parkinson disease 19A. Last evaluated: 2022-04-23. Review status: criteria provided, single submitter. Criteria: Invitae Variant Classification Sherloc (09022015). Collection method: clinical testing. Allele origin: germline.
Comment: In summary, the available evidence is currently insufficient to determine the role of this variant in disease. Therefore, it has been classified as a Variant of Uncertain Significance. Algorithms developed to predict the effect of missense changes on protein structure and function output the following: SIFT: "Tolerated"; PolyPhen-2: "Benign"; Align-GVGD: "Class C0". The serine amino acid residue is found in multiple mammalian species, which suggests that this missense change does not adversely affect protein function. This variant has not been reported in the literature in individuals affected with DNAJC6-related conditions. The frequency data for this variant in the population databases is considered unreliable, as metrics indicate poor data quality at this position in the gnomAD database. This sequence change replaces leucine, which is neutral and non-polar, with serine, which is neutral and polar, at codon 28 of the DNAJC6 protein (p.Leu28Ser).